The following is an entry in ClinVar:

NM_003748.4(ALDH4A1):c.842G>T (p.Gly281Val)

Gene: ALDH4A1 (aldehyde dehydrogenase 4 family member A1; minus strand). Cytogenetic location: 1p36.13.
Variant type: single nucleotide variant.
Coding change: c.842G>T on transcript NM_003748.4 (MANE Select); coding-DNA position 842, G replaced by T.
Protein change: p.Gly281Val; replaces glycine 281 with valine.
Molecular consequence: missense variant.
Genome position (GRCh38, 1-based): chr1:18,881,724, C>A on the plus strand (G>T on the coding strand, the complement: ALDH4A1 is on the minus strand). VCF-style: chr1-18881724-C-A. GRCh37 (hg19) VCF-style: chr1-19208218-C-A.
Other names: c.662G>T, p.Gly221Val (NM_001161504.2); c.842G>T, p.Gly281Val (NM_001319218.2, NM_170726.3); short protein forms G221V, G281V.
Identifiers: ClinVar variation 846274 (VCV000846274.10), dbSNP rs1934975074, ClinGen allele CA338755363.

ClinVar aggregate classification (germline): Uncertain significance (1 of 4 stars; one submission).

Conditions:
Hyperprolinemia type 2 (HYRPRO2). Also called: Delta-1-pyrroline-5-carboxylate dehydrogenase deficiency; 1-PYRROLINE-5-CARBOXYLATE DEHYDROGENASE DEFICIENCY; Deficiency of pyrroline-5-carboxylate reductase. Identifiers: Orphanet 79101, MedGen C2931835, MONDO:0009401, OMIM 239510.

Allele frequency attached by ClinVar (database versions not stated): TOPMed below 0.00001; gnomAD exomes 0.00001.
gnomAD v4.1: 15 of 1,614,086 alleles (0.00093%); highest among the groups gnomAD compares: Non-Finnish European, 0.0013%; no homozygotes.

Submission:

Labcorp Genetics (formerly Invitae), Labcorp
Classification: Uncertain significance for Hyperprolinemia type 2. Last evaluated: 2019-01-26. Review status: criteria provided, single submitter. Criteria: Invitae Variant Classification Sherloc (09022015). Collection method: clinical testing. Allele origin: germline.
Comment: In summary, the available evidence is currently insufficient to determine the role of this variant in disease. Therefore, it has been classified as a Variant of Uncertain Significance. Algorithms developed to predict the effect of missense changes on protein structure and function are either unavailable or do not agree on the potential impact of this missense change (SIFT: "Deleterious"; PolyPhen-2: "Probably Damaging"; Align-GVGD: "Class C15"). This variant has not been reported in the literature in individuals with ALDH4A1-related conditions. This variant is not present in population databases (ExAC no frequency). This sequence change replaces glycine with valine at codon 281 of the ALDH4A1 protein (p.Gly281Val). The glycine residue is highly conserved and there is a moderate physicochemical difference between glycine and valine.